The following is an entry in ClinVar:

NM_021728.4(OTX2):c.586G>T (p.Gly196Ter)

Gene: OTX2 (orthodenticle homeobox 2; minus strand). Cytogenetic location: 14q22.3.
Variant type: single nucleotide variant.
Coding change: c.586G>T on transcript NM_021728.4 (MANE Select); coding-DNA position 586, G replaced by T.
Protein change: p.Gly196Ter; replaces glycine 196 with a stop codon.
Molecular consequence: nonsense. On other transcripts: non-coding transcript variant (2).
Genome position (GRCh38, 1-based): chr14:56,802,043, C>A on the plus strand (G>T on the coding strand, the complement: OTX2 is on the minus strand). VCF-style: chr14-56802043-C-A. GRCh37 (hg19) VCF-style: chr14-57268761-C-A.
Other names: c.562G>T, p.Gly188Ter (NM_001270523.2, NM_001270524.2, NM_172337.3); c.586G>T, p.Gly196Ter (NM_001270525.2); short protein forms G188*, G196*.
Identifiers: ClinVar variation 30027 (VCV000030027.7), dbSNP rs397514463, ClinGen allele CA128838.

ClinVar aggregate classification (germline): Pathogenic. Review status: criteria provided, single submitter (1 of 4 stars). 2 submissions from 2 submitters: Pathogenic (1). 1 of the submissions does not count toward it. Last evaluated 2021-10-24.

Conditions:
Syndromic microphthalmia type 5 (MCOPS5). Also called: RETINAL DYSTROPHY, EARLY-ONSET, WITH PITUITARY DYSFUNCTION; RETINAL DYSTROPHY, EARLY-ONSET, WITHOUT PITUITARY DYSFUNCTION. Identifiers: Orphanet 178364, MedGen C1864690, MONDO:0012413, OMIM 610125.
Anophthalmia-microphthalmia syndrome. Also called: Anophthalmia/Microphthalmia; Anophthalmia - microphthalmia. Identifiers: Orphanet 98555, MedGen C5680330, MONDO:0020147.

Submissions (2):

Labcorp Genetics (formerly Invitae), Labcorp
Classification: Pathogenic for Anophthalmia-microphthalmia syndrome. Last evaluated: 2021-10-24. Review status: criteria provided, single submitter. Criteria: Invitae Variant Classification Sherloc (09022015). Collection method: clinical testing. Allele origin: germline.
Comment: This variant is not present in population databases (gnomAD no frequency). This sequence change creates a premature translational stop signal (p.Gly188*) in the OTX2 gene. While this is not anticipated to result in nonsense mediated decay, it is expected to disrupt the last 102 amino acid(s) of the OTX2 protein. This premature translational stop signal has been observed in individual(s) with microphthalmia, anophthalmia, coloboma spectrum (PMID: 19965921). For these reasons, this variant has been classified as Pathogenic. This variant disrupts a region of the OTX2 protein in which other variant(s) (p.Ser203*) have been determined to be pathogenic (Invitae). This suggests that this is a clinically significant region of the protein, and that variants that disrupt it are likely to be disease-causing. ClinVar contains an entry for this variant (Variation ID: 30027).

OMIM
Classification: Pathogenic for MICROPHTHALMIA, SYNDROMIC 5. Last evaluated: 2010-02-01. Review status: no assertion criteria provided. Collection method: literature only. Allele origin: germline. Not counted in ClinVar's aggregate classification.

Literature cited by the submitters: PubMed 19965921 (cited by Labcorp Genetics (formerly Invitae), Labcorp and OMIM).